The following is an entry in ClinVar:

ClinVar aggregate classification (germline): Uncertain significance. Review status: criteria provided, multiple submitters, no conflicts (2 of 4 stars). 2 submissions from 2 submitters: Uncertain significance (2). Last evaluated 2026-01-02.

Conditions:
Symmetrical dyschromatosis of extremities (DSH). Also called: DYSCHROMATOSIS SYMMETRICA HEREDITARIA 1; RETICULATE ACROPIGMENTATION OF DOHI; SYMMETRIC DYSCHROMATOSIS OF THE EXTREMITIES; Dyschromatosis symmetrica hereditaria. Identifiers: Orphanet 41, MedGen C0406775, MONDO:0007483, OMIM 127400.
Aicardi-Goutieres syndrome 6 (AGS6). Identifiers: Orphanet 51, MedGen C3539013, MONDO:0014007, OMIM 615010.

Allele frequency attached by ClinVar (database versions not stated): gnomAD 0.00001; gnomAD exomes 0.00005.

Submissions (2):

Labcorp Genetics (formerly Invitae), Labcorp
Classification: Uncertain significance for Aicardi-Goutieres syndrome 6; Symmetrical dyschromatosis of extremities. Last evaluated: 2026-01-02. Review status: criteria provided, single submitter. Criteria: Invitae Variant Classification Sherloc (09022015). Collection method: clinical testing. Allele origin: germline.
Comment: This sequence change replaces glutamine, which is neutral and polar, with glutamic acid, which is acidic and polar, at codon 693 of the ADAR protein (p.Gln693Glu). This variant is present in population databases (rs121912423, gnomAD 0.05%). This variant has not been reported in the literature in individuals affected with ADAR-related conditions. ClinVar contains an entry for this variant (Variation ID: 1355685). An algorithm developed to predict the effect of missense changes on protein structure and function (PolyPhen-2) suggests that this variant is likely to be tolerated. In summary, the available evidence is currently insufficient to determine the role of this variant in disease. Therefore, it has been classified as a Variant of Uncertain Significance.

Genesolutions, Medical Genetics Institutes, Ho Chi Minh City, Vietnam
Classification: Uncertain significance for Symmetrical dyschromatosis of extremities. Last evaluated: 2025-09-24. Review status: criteria provided, single submitter. Criteria: ACMG Guidelines, 2015. Collection method: clinical testing. Allele origin: germline. Affected: yes.

NM_001111.5(ADAR):c.2077C>G (p.Gln693Glu)

Gene: ADAR (adenosine deaminase RNA specific; minus strand). Cytogenetic location: 1q21.3.
Variant type: single nucleotide variant.
Coding change: c.2077C>G on transcript NM_001111.5 (MANE Select); coding-DNA position 2077, C replaced by G.
Protein change: p.Gln693Glu; replaces glutamine 693 with glutamic acid.
Molecular consequence: missense variant.
Genome position (GRCh38, 1-based): chr1:154,597,125, G>C on the plus strand (C>G on the coding strand, the complement: ADAR is on the minus strand). VCF-style: chr1-154597125-G-C. GRCh37 (hg19) VCF-style: chr1-154569601-G-C.
Other names: c.1192C>G, p.Gln398Glu (NM_001025107.3, NM_001193495.2, NM_001365046.1 and 3 more transcripts); c.2104C>G, p.Gln702Glu (NM_001365045.1); c.2077C>G, p.Gln693Glu (NM_015840.4, NM_015841.4); short protein forms Q398E, Q693E, Q702E.
Identifiers: ClinVar variation 1355685 (VCV001355685.9), dbSNP rs121912423, ClinGen allele CA1131393.
Genomic context (GRCh38, chr1:154,597,125, plus strand): 5'-CTTAAACCACTCAGTTGCTAAAAATGACCTGTATCTTTTGAGTAGGAAAACGCCCTACCT[G>C]GTTATCAGAAGCCATGGAGTTGGTCGCCTCCCCATGCAGGGCCTTCATGGCTTCCTCTGC-3'
Protein context (NP_001102.3, residues 683-703): EATNSMASDN[Gln693Glu]PEGMISESLD